The following is an entry in ClinVar:

ClinVar aggregate classification (germline): Uncertain significance (1 of 4 stars; one submission).

gnomAD v4.1: 3 of 1,614,026 alleles (0.00019%); highest among the groups gnomAD compares: Non-Finnish European, 0.00025%; no homozygotes.

Submission:

CeGaT Center for Human Genetics Tuebingen
Classification: Uncertain significance. Last evaluated: 2025-02-01. Review status: criteria provided, single submitter. Criteria: CeGaT Center For Human Genetics Tuebingen Variant Classification Criteria Version 2. Collection method: clinical testing. Allele origin: germline. Affected: yes. Observed: 1 variant allele.
Comment: SYNE1: PM2

NM_182961.4(SYNE1):c.19780G>A (p.Ala6594Thr)

Gene: SYNE1 (spectrin repeat containing nuclear envelope protein 1; minus strand). Cytogenetic location: 6q25.2.
Variant type: single nucleotide variant.
Coding change: c.19780G>A on transcript NM_182961.4 (MANE Select); coding-DNA position 19780, G replaced by A.
Protein change: p.Ala6594Thr; replaces alanine 6594 with threonine.
Molecular consequence: missense variant.
Genome position (GRCh38, 1-based): chr6:152,242,353, C>T on the plus strand (G>A on the coding strand, the complement: SYNE1 is on the minus strand). VCF-style: chr6-152242353-C-T. GRCh37 (hg19) VCF-style: chr6-152563488-C-T.
Other names: c.19567G>A, p.Ala6523Thr (NM_033071.5); short protein forms A6523T, A6594T.
Identifiers: ClinVar variation 3772484 (VCV003772484.13).